The following is an entry in ClinVar:

NM_000285.4(PEPD):c.503+1G>C

Gene: PEPD (peptidase D; minus strand). Cytogenetic location: 19q13.11.
Variant type: single nucleotide variant.
Coding change: c.503+1G>C on transcript NM_000285.4 (MANE Select); the canonical splice donor site of the intron after coding-DNA position 503, G replaced by C.
Molecular consequence: splice donor variant.
Genome position (GRCh38, 1-based): chr19:33,489,995, C>G on the plus strand (G>C on the coding strand, the complement: PEPD is on the minus strand). VCF-style: chr19-33489995-C-G. GRCh37 (hg19) VCF-style: chr19-33980901-C-G.
Other names: c.311+1G>C (NM_001166057.2); c.503+1G>C (NM_001166056.2).
Identifiers: ClinVar variation 2858871 (VCV002858871.3), dbSNP rs2513493190, ClinGen allele CA405230851.

ClinVar aggregate classification (germline): Likely pathogenic (1 of 4 stars; one submission).

Allele frequency attached by ClinVar (database versions not stated): gnomAD exomes 0.00001.
gnomAD v4.1: 14 of 1,599,580 alleles (0.00088%); highest among the groups gnomAD compares: Non-Finnish European, 0.0012%; no homozygotes.

Submission:

Labcorp Genetics (formerly Invitae), Labcorp
Classification: Likely pathogenic. Last evaluated: 2023-04-24. Review status: criteria provided, single submitter. Criteria: Invitae Variant Classification Sherloc (09022015). Collection method: clinical testing. Allele origin: germline.
Comment: Algorithms developed to predict the effect of sequence changes on RNA splicing suggest that this variant may disrupt the consensus splice site. In summary, the currently available evidence indicates that the variant is pathogenic, but additional data are needed to prove that conclusively. Therefore, this variant has been classified as Likely Pathogenic. Disruption of this splice site has been observed in individual(s) with prolidase deficiency (Invitae). This variant is not present in population databases (gnomAD no frequency). This sequence change affects a donor splice site in intron 6 of the PEPD gene. It is expected to disrupt RNA splicing. Variants that disrupt the donor or acceptor splice site typically lead to a loss of protein function (PMID: 16199547), and loss-of-function variants in PEPD are known to be pathogenic (PMID: 8198124, 10721675, 12384772, 17142620).

Literature cited by the submitters: PubMed 16199547; PubMed 8198124; PubMed 10721675; PubMed 12384772; PubMed 17142620.